The following is an entry in ClinVar:

NM_000053.4(ATP7B):c.157C>T (p.Pro53Ser)

Gene: ATP7B (ATPase copper transporting beta; minus strand). Cytogenetic location: 13q14.3.
Variant type: single nucleotide variant.
Coding change: c.157C>T on transcript NM_000053.4 (MANE Select); coding-DNA position 157, C replaced by T.
Protein change: p.Pro53Ser; replaces proline 53 with serine.
Molecular consequence: missense variant.
Genome position (GRCh38, 1-based): chr13:51,975,063, G>A on the plus strand (C>T on the coding strand, the complement: ATP7B is on the minus strand). VCF-style: chr13-51975063-G-A. GRCh37 (hg19) VCF-style: chr13-52549199-G-A.
Other names: c.157C>T, p.Pro53Ser (NM_001005918.3, NM_001243182.2, NM_001330578.2 and 1 more transcripts); short protein forms P53S.
Identifiers: ClinVar variation 1522764 (VCV001522764.4), dbSNP rs751956663, ClinGen allele CA6989609.

ClinVar aggregate classification (germline): Uncertain significance. Review status: criteria provided, multiple submitters, no conflicts (2 of 4 stars). 2 submissions from 2 submitters: Uncertain significance (2). Last evaluated 2024-09-23.

Conditions:
Wilson disease (WND). Also called: Wilson's disease. Identifiers: Orphanet 905, MedGen C0019202, MONDO:0010200, OMIM 277900. Disease mechanism: loss of function.

Allele frequency attached by ClinVar (database versions not stated): gnomAD 0.00001; ExAC 0.00002.
gnomAD v4.1: 6 of 1,614,064 alleles (0.00037%); highest among the groups gnomAD compares: Non-Finnish European, 0.00051%; no homozygotes.

Submissions (2):

All of Us Research Program, National Institutes of Health
Classification: Uncertain significance for Wilson disease. Last evaluated: 2024-09-23. Review status: criteria provided, single submitter. Criteria: ACMG Guidelines, 2015. Collection method: clinical testing. Allele origin: germline. Inheritance: Autosomal recessive inheritance. Observed: 1 variant allele, 1 heterozygote.
Comment: This study involves interpretation of variants in research participants for the purpose of population health screening. Participant phenotype was not available at the time of variant classification. Additional details can be found in publication PMID: 35346344, PMCID: PMC8962531

Labcorp Genetics (formerly Invitae), Labcorp
Classification: Uncertain significance for Wilson disease. Last evaluated: 2022-07-23. Review status: criteria provided, single submitter. Criteria: Invitae Variant Classification Sherloc (09022015). Collection method: clinical testing. Allele origin: germline.
Comment: This sequence change replaces proline, which is neutral and non-polar, with serine, which is neutral and polar, at codon 53 of the ATP7B protein (p.Pro53Ser). This variant is present in population databases (rs751956663, gnomAD 0.003%). This variant has not been reported in the literature in individuals affected with ATP7B-related conditions. ClinVar contains an entry for this variant (Variation ID: 1522764). Advanced modeling of protein sequence and biophysical properties (such as structural, functional, and spatial information, amino acid conservation, physicochemical variation, residue mobility, and thermodynamic stability) performed at Invitae indicates that this missense variant is not expected to disrupt ATP7B protein function. In summary, the available evidence is currently insufficient to determine the role of this variant in disease. Therefore, it has been classified as a Variant of Uncertain Significance.